The following is an entry in ClinVar:

NM_002473.6(MYH9):c.2563G>T (p.Val855Leu)

Gene: MYH9 (myosin heavy chain 9; minus strand). Cytogenetic location: 22q12.3.
Variant type: single nucleotide variant.
Coding change: c.2563G>T on transcript NM_002473.6 (MANE Select); coding-DNA position 2563, G replaced by T.
Protein change: p.Val855Leu; replaces valine 855 with leucine.
Molecular consequence: missense variant.
Genome position (GRCh38, 1-based): chr22:36,301,602, C>A on the plus strand (G>T on the coding strand, the complement: MYH9 is on the minus strand). VCF-style: chr22-36301602-C-A. GRCh37 (hg19) VCF-style: chr22-36697648-C-A.
Other names: short protein forms V855L.
Identifiers: ClinVar variation 4746171 (VCV004746171.1).

ClinVar aggregate classification (germline): Uncertain significance (1 of 4 stars; one submission).

gnomAD v4.1: 1 of 1,614,028 alleles (0.000062%); highest among the groups gnomAD compares: Non-Finnish European, 0.000085%; no homozygotes.

Submission:

Labcorp Genetics (formerly Invitae), Labcorp
Classification: Uncertain significance. Last evaluated: 2025-07-21. Review status: criteria provided, single submitter. Criteria: Invitae Variant Classification Sherloc (09022015). Collection method: clinical testing. Allele origin: germline.
Comment: This sequence change replaces valine, which is neutral and non-polar, with leucine, which is neutral and non-polar, at codon 855 of the MYH9 protein (p.Val855Leu). This variant is not present in population databases (gnomAD no frequency). This variant has not been reported in the literature in individuals affected with MYH9-related conditions. Invitae Evidence Modeling of protein sequence and biophysical properties (such as structural, functional, and spatial information, amino acid conservation, physicochemical variation, residue mobility, and thermodynamic stability) indicates that this missense variant is not expected to disrupt MYH9 protein function with a negative predictive value of 95%. In summary, the available evidence is currently insufficient to determine the role of this variant in disease. Therefore, it has been classified as a Variant of Uncertain Significance.